The following is an entry in ClinVar:

ClinVar aggregate classification (germline): Uncertain significance (1 of 4 stars; one submission).

Conditions:
Hereditary cancer-predisposing syndrome. Also called: Tumor predisposition; Hereditary Cancer Syndrome; Hereditary neoplastic syndrome; Neoplastic Syndromes, Hereditary. Identifiers: Orphanet 140162, MedGen C0027672, MeSH D009386, MONDO:0015356.

Submission:

Ambry Genetics
Classification: Uncertain significance for Hereditary cancer-predisposing syndrome. Last evaluated: 2025-11-13. Review status: criteria provided, single submitter. Criteria: Ambry Variant Classification Scheme 2023. Collection method: clinical testing. Allele origin: germline.
Comment: The c.64-33_64-32delAAinsTT intronic variant, located in intron 1 of the SDHA gene, results from the deletion of two nucleotides and the insertion of two nucleotides at nucleotide position 64-33 and 64-32. This nucleotide position is poorly conserved in available vertebrate species. In silico splice site analysis predicts that this alteration may weaken the native splice acceptor site and will result in the creation or strengthening of a novel splice acceptor site. RNA studies have demonstrated that this alteration results in a transcript predicted to lead to a protein with an in-frame insertion of 18 amino acids; however, the exact functional impact of the inserted amino acids is unknown at this time (Ambry internal data). Based on the available evidence, the clinical significance of this variant remains unclear.

NM_004168.4(SDHA):c.64-33_64-32inv

Gene: SDHA (succinate dehydrogenase complex flavoprotein subunit A; plus strand). Cytogenetic location: 5p15.33.
Variant type: Inversion.
Coding change: c.64-33_64-32inv on transcript NM_004168.4 (MANE Select).
Molecular consequence: intron variant.
Genome position: GRCh38 VCF-style: chr5-223449-AA-TT. GRCh37 (hg19) VCF-style: chr5-223564-AA-TT.
Other names: c.64-33_64-32inv (NM_001330758.2, NM_001294332.2).
Identifiers: ClinVar variation 4546863 (VCV004546863.1).
Genomic context (GRCh38, chr5:223,449, plus strand): 5'-GGTGAACAGTTTGCAAGGGGAAATTACTATCCCCCACAGCATTTGTTCCTTCAGGACACT[AA>TT]CCCTCTGGATCTGTGTCTTCTGTGTCTCCAGTGGCCAACAGTGTTGCAAACAGGAACCCG-3'